The following is an entry in ClinVar:

NM_032383.5(HPS3):c.2491delinsAA (p.Cys831fs)

Genes: CP (ceruloplasmin; minus strand), HPS3 (HPS3 biogenesis of lysosomal organelles complex 2 subunit 1; plus strand). Cytogenetic location: 3q24.
Variant type: Indel.
Coding change: c.2491delinsAA on transcript NM_032383.5 (MANE Select); coding-DNA position 2491, T replaced by AA.
Protein change: p.Cys831fs; shifts the reading frame from cysteine 831.
Molecular consequence: frameshift variant.
Genome position (GRCh38, 1-based): chr3:149,163,851, T replaced by AA. VCF-style: chr3-149163851-T-AA. GRCh37 (hg19) VCF-style: chr3-148881638-T-AA.
Other names: c.1996delinsAA, p.Cys666fs (NM_001308258.2); short protein forms C666fs, C831fs.
Identifiers: ClinVar variation 5010568 (VCV005010568.1).

ClinVar aggregate classification (germline): Pathogenic (1 of 4 stars; one submission).

Conditions:
Hermansky-Pudlak syndrome 3 (HPS3). Identifiers: Orphanet 231512, Orphanet 79430, MedGen C3888001, MONDO:0013555, OMIM 614072.

Submission:

Myriad Genetics, Inc.
Classification: Pathogenic for Hermansky-Pudlak syndrome 3. Last evaluated: 2024-05-14. Review status: criteria provided, single submitter. Criteria: Myriad Autosomal Dominant, Autosomal Recessive and X-Linked Classification Criteria (2023). Collection method: clinical testing. Allele origin: unknown.
Comment: NM_032383.3(HPS3):c.2491delTinsAA(C831Kfs*2) is expected to be pathogenic in the context of Hermansky-Pudlak syndrome, HPS3-related. This variant is predicted to lead to an abnormal or absent protein product due to the creation of a premature termination codon in HPS3, a gene where loss-of-function variants are known to be pathogenic. Please note: this variant was assessed in the context of healthy population screening.